The following is an entry in ClinVar:

ClinVar aggregate classification (germline): Uncertain significance (1 of 4 stars; one submission).

Conditions:
Hereditary cancer-predisposing syndrome. Also called: Hereditary neoplastic syndrome; Neoplastic Syndromes, Hereditary; Tumor predisposition; Hereditary Cancer Syndrome. Identifiers: Orphanet 140162, MedGen C0027672, MeSH D009386, MONDO:0015356.

Submission:

Ambry Genetics
Classification: Uncertain significance for Hereditary cancer-predisposing syndrome. Last evaluated: 2025-08-27. Review status: criteria provided, single submitter. Criteria: Ambry Variant Classification Scheme 2023. Collection method: clinical testing. Allele origin: germline.
Comment: The p.V90G variant (also known as c.269T>G), located in coding exon 3 of the MUTYH gene, results from a T to G substitution at nucleotide position 269. The valine at codon 90 is replaced by glycine, an amino acid with dissimilar properties. This amino acid position is conserved. In addition, this alteration is predicted to be tolerated by in silico analysis. Based on the available evidence, the clinical significance of this variant remains unclear.

NM_001048174.2(MUTYH):c.185T>G (p.Val62Gly)

Gene: MUTYH (mutY DNA glycosylase; minus strand). Cytogenetic location: 1p34.1.
Variant type: single nucleotide variant.
Coding change: c.185T>G on transcript NM_001048174.2 (MANE Select); coding-DNA position 185, T replaced by G.
Protein change: p.Val62Gly; replaces valine 62 with glycine.
Molecular consequence: missense variant. On other transcripts: 5 prime UTR variant (6), non-coding transcript variant (7).
Genome position (GRCh38, 1-based): chr1:45,333,492, A>C on the plus strand (T>G on the coding strand, the complement: MUTYH is on the minus strand). VCF-style: chr1-45333492-A-C. GRCh37 (hg19) VCF-style: chr1-45799164-A-C.
Other names: c.185T>G, p.Val62Gly (NM_001407080.1, NM_001407081.1, NM_001407088.1 and 6 more transcripts); c.-87T>G (NM_001407082.1, NM_001350650.2, NM_001350651.2); c.227T>G, p.Val76Gly (NM_001407083.1, NM_001407085.1, NM_001407073.1); c.188T>G, p.Val63Gly (NM_001407086.1, NM_001048172.2, NM_001407071.1 and 2 more transcripts); c.206T>G, p.Val69Gly (NM_001407087.1); c.-92T>G (NM_001407091.1, NM_001293192.2, NM_001293196.2); c.260T>G, p.Val87Gly (NM_012222.3, NM_001407069.1); c.269T>G, p.Val90Gly (NM_001128425.2); and 3 more; short protein forms V77G, V87G, V34G, V62G, V69G, V76G, V90G, V63G.
Identifiers: ClinVar variation 4113562 (VCV004113562.1).